The following is an entry in ClinVar:

ClinVar aggregate classification (germline): Uncertain significance (1 of 4 stars; one submission).

Conditions:
DMD-related disorder. Also called: DMD-related condition.

Submission:

PreventionGenetics, part of Exact Sciences
Classification: Uncertain significance for DMD-related condition. Last evaluated: 2025-06-13. Review status: criteria provided, single submitter. Criteria: ACMG Guidelines, 2015. Collection method: clinical testing. Allele origin: germline.
Comment: The DMD c.1853G>T variant is predicted to result in the amino acid substitution p.Gly618Val. To our knowledge, this variant has not been reported in the literature or in a large population database (gnomAD), indicating this variant is rare. At this time, the clinical significance of this variant is uncertain due to the absence of conclusive functional and genetic evidence.

NM_004006.3(DMD):c.*31G>T

Gene: DMD (dystrophin; minus strand). Cytogenetic location: Xp21.2.
Variant type: single nucleotide variant.
Coding change: c.*31G>T on transcript NM_004006.3 (MANE Select); 31 bases downstream of the stop codon, G replaced by T.
Molecular consequence: 3 prime UTR variant. On other transcripts: missense variant (5).
Genome position (GRCh38, 1-based): chrX:31,121,888, C>A on the plus strand (G>T on the coding strand, the complement: DMD is on the minus strand). VCF-style: chrX-31121888-C-A. GRCh37 (hg19) VCF-style: chrX-31140005-C-A.
Other names: c.*31G>T (NM_000109.4, NM_004009.3, NM_004010.3 and 7 more transcripts); c.1853G>T, p.Gly618Val (NM_004016.3); c.1814G>T, p.Gly605Val (NM_004018.3); c.3677G>T, p.Gly1226Val (NM_004021.3); c.3638G>T, p.Gly1213Val (NM_004022.3); c.3347G>T, p.Gly1116Val (NM_004023.3); short protein forms G618V, G1226V, G1116V, G1213V, G605V.
Identifiers: ClinVar variation 5000147 (VCV005000147.1).